The following is an entry in ClinVar:

ClinVar aggregate classification (germline): Benign. Review status: criteria provided, multiple submitters, no conflicts (2 of 4 stars). 2 submissions from 2 submitters: Benign (2). Last evaluated 2018-01-13.

Conditions:
Hypophosphatemic rickets, autosomal recessive, 1 (ARHR1). Also called: HYPOPHOSPHATEMIA, AUTOSOMAL RECESSIVE. Identifiers: Orphanet 289176, MedGen C4551495, MONDO:0009430, OMIM 241520. Disease mechanism: loss of function.

Allele frequency attached by ClinVar (database versions not stated): gnomAD exomes 0.01720; gnomAD 0.02557 and 0.02615; TOPMed 0.02842; 1000 Genomes Project 0.02975; 1000 Genomes Project 30x 0.02983.
gnomAD v4.1: 5,418 of 241,746 alleles (2.2%); highest among the groups gnomAD compares: African/African-American, 5.7%; 97 homozygotes.

Submissions (2):

Illumina Laboratory Services, Illumina
Classification: Benign for Hypophosphatemic rickets, autosomal recessive, 1. Last evaluated: 2018-01-13. Review status: criteria provided, single submitter. Criteria: ICSL Variant Classification Criteria 13 December 2019. Collection method: clinical testing. Allele origin: germline.
Comment: This variant was observed in the ICSL laboratory as part of a predisposition screen in an ostensibly healthy population. It had not been previously curated by ICSL or reported in the Human Gene Mutation Database (HGMD: prior to June 1st, 2018), and was therefore a candidate for classification through an automated scoring system. Utilizing variant allele frequency, disease prevalence and penetrance estimates, and inheritance mode, an automated score was calculated to assess if this variant is too frequent to cause the disease. Based on the score and internal cut-off values, a variant classified as benign is not then subjected to further curation. The score for this variant resulted in a classification of benign for this disease.

Breakthrough Genomics
Classification: Benign. Review status: criteria provided, single submitter. Criteria: ACMG Guidelines, 2015. Collection method: not provided. Allele origin: germline. Inheritance: Autosomal recessive inheritance. Affected: yes.

NM_004407.4(DMP1):c.*457T>C

Genes: DMP1 (dentin matrix acidic phosphoprotein 1; plus strand), DMP1-AS1 (DMP1 and DSPP antisense RNA 1; minus strand). Cytogenetic location: 4q22.1.
Variant type: single nucleotide variant.
Coding change: c.*457T>C on transcript NM_004407.4 (MANE Select); 457 bases downstream of the stop codon, T replaced by C.
Molecular consequence: 3 prime UTR variant.
Genome position (GRCh38, 1-based): chr4:87,663,777, T>C. VCF-style: chr4-87663777-T-C. GRCh37 (hg19) VCF-style: chr4-88584929-T-C.
Other names: c.*457T>C (NM_001079911.3).
Identifiers: ClinVar variation 349995 (VCV000349995.6), dbSNP rs6842411, ClinGen allele CA10618537.